The following is an entry in ClinVar:

NC_000002.11:g.(?_48023023)_(48033999_?)del

Gene: MSH6 (mutS homolog 6; plus strand). Cytogenetic location: 2p16.3.
Variant type: Deletion.
Identifiers: ClinVar variation 2422538 (VCV002422538.4).

ClinVar aggregate classification (germline): Pathogenic (1 of 4 stars; one submission).

Conditions:
Hereditary nonpolyposis colorectal neoplasms. Identifiers: MedGen C0009405, MeSH D003123.

Submission:

Labcorp Genetics (formerly Invitae), Labcorp
Classification: Pathogenic for Hereditary nonpolyposis colorectal neoplasms. Last evaluated: 2022-08-26. Review status: criteria provided, single submitter. Criteria: Invitae Variant Classification Sherloc (09022015). Collection method: clinical testing. Allele origin: germline.
Comment: This variant is a gross deletion of the genomic region encompassing exon(s) 3-10 of the MSH6 gene, which includes the termination codon. This deletion extends beyond the assayed region for this gene and therefore may encompass additional genes. While this deletion is not anticipated to lead to nonsense mediated decay, it is expected to alter mRNA translation or result in a truncated protein product. This variant has not been reported in the literature in individuals affected with MSH6-related conditions. This variant disrupts a region of the MSH6 protein in which other variant(s) (p.Arg1331*) have been determined to be pathogenic (PMID: 16034045, 16418736, 18301448, 20587412, 21056691, 21642682, 27601186). This suggests that this is a clinically significant region of the protein, and that variants that disrupt it are likely to be disease-causing. For these reasons, this variant has been classified as Pathogenic.

Literature cited by the submitters: PubMed 16034045; PubMed 16418736; PubMed 18301448; PubMed 20587412; PubMed 21056691; PubMed 21642682; PubMed 27601186.